The following is an entry in ClinVar:

ClinVar aggregate classification (germline): Pathogenic/Likely pathogenic. Review status: criteria provided, multiple submitters, no conflicts (2 of 4 stars). 4 submissions from 4 submitters: Pathogenic (2); Likely pathogenic (2). Last evaluated 2024-03-27.

Conditions:
EYS-related disorder. Also called: EYS-related condition.
Retinitis pigmentosa 25 (RP25). Identifiers: Orphanet 791, MedGen C1864446, MONDO:0011272, OMIM 602772.

Allele frequency attached by ClinVar (database versions not stated): TOPMed below 0.00001.
gnomAD v4.1: 2 of 1,551,376 alleles (0.00013%); highest among the groups gnomAD compares: African/African-American, 0.0027%; no homozygotes.

Submissions (4):

Blueprint Genetics
Classification: Pathogenic for EYS-related disorders. Last evaluated: 2024-03-27. Review status: criteria provided, single submitter. Criteria: ACMG Guidelines, 2015. Collection method: clinical testing. Allele origin: germline. Affected: yes. Observed: 1 variant allele.

Labcorp Genetics (formerly Invitae), Labcorp
Classification: Pathogenic. Last evaluated: 2024-02-24. Review status: criteria provided, single submitter. Criteria: Invitae Variant Classification Sherloc (09022015). Collection method: clinical testing. Allele origin: germline.
Comment: This sequence change creates a premature translational stop signal (p.Leu1552*) in the EYS gene. It is expected to result in an absent or disrupted protein product. Loss-of-function variants in EYS are known to be pathogenic (PMID: 18836446, 20333770). This variant is not present in population databases (gnomAD no frequency). This premature translational stop signal has been observed in individual(s) with clinical features of EYS-related conditions (PMID: 31054281). ClinVar contains an entry for this variant (Variation ID: 1453565). For these reasons, this variant has been classified as Pathogenic.

Fulgent Genetics
Classification: Likely pathogenic for Retinitis pigmentosa 25. Last evaluated: 2023-12-29. Review status: criteria provided, single submitter. Criteria: ACMG Guidelines, 2015. Collection method: clinical testing. Allele origin: germline.

Baylor Genetics
Classification: Likely pathogenic for Retinitis pigmentosa 25. Last evaluated: 2022-02-06. Review status: criteria provided, single submitter. Criteria: ACMG Guidelines, 2015. Collection method: clinical testing. Allele origin: unknown.

Literature cited by the submitters: PubMed 18836446 (cited by Labcorp Genetics (formerly Invitae), Labcorp); PubMed 20333770 (cited by Labcorp Genetics (formerly Invitae), Labcorp); PubMed 31054281 (cited by Labcorp Genetics (formerly Invitae), Labcorp).

NM_001142800.2(EYS):c.4655T>G (p.Leu1552Ter)

Gene: EYS (EGF-like photoreceptor maintenance factor; minus strand). Cytogenetic location: 6q12.
Variant type: single nucleotide variant.
Coding change: c.4655T>G on transcript NM_001142800.2 (MANE Select); coding-DNA position 4655, T replaced by G.
Protein change: p.Leu1552Ter; replaces leucine 1552 with a stop codon.
Molecular consequence: nonsense.
Genome position (GRCh38, 1-based): chr6:64,591,212, A>C on the plus strand (T>G on the coding strand, the complement: EYS is on the minus strand). VCF-style: chr6-64591212-A-C. GRCh37 (hg19) VCF-style: chr6-65301105-A-C.
Other names: c.4655T>G, p.Leu1552Ter (NM_001292009.2); short protein forms L1552*.
Identifiers: ClinVar variation 1453565 (VCV001453565.9), dbSNP rs1054515897, ClinGen allele CA140340937.